The following is an entry in ClinVar:

NM_017636.4(TRPM4):c.2584G>A (p.Asp862Asn)

Gene: TRPM4 (transient receptor potential cation channel subfamily M member 4; plus strand). Cytogenetic location: 19q13.33.
Variant type: single nucleotide variant.
Coding change: c.2584G>A on transcript NM_017636.4 (MANE Select); coding-DNA position 2584, G replaced by A.
Protein change: p.Asp862Asn; replaces aspartic acid 862 with asparagine.
Molecular consequence: missense variant. On other transcripts: intron variant (1).
Genome position (GRCh38, 1-based): chr19:49,196,813, G>A. VCF-style: chr19-49196813-G-A. GRCh37 (hg19) VCF-style: chr19-49700070-G-A.
Other names: c.2239G>A, p.Asp747Asn (NM_001321281.2); c.976G>A, p.Asp326Asn (NM_001321282.2); c.2062G>A, p.Asp688Asn (NM_001321283.2); c.1522G>A, p.Asp508Asn (NM_001321285.2); c.2211-3487G>A (NM_001195227.2); short protein forms D688N, D326N, D747N, D862N, D508N.
Identifiers: ClinVar variation 1793415 (VCV001793415.2), dbSNP rs924107277, ClinGen allele CA309455406.
Genomic context (GRCh38, chr19:49,196,813, plus strand): 5'-AGCGGGGGCCCCGGGCCTGGCCATGCCTCACTGAGCCAGCGCCTGCGCCTCTACCTCGCC[G>A]ACAGCTGGAACCAGTGCGACCTAGTGGCTCTCACCTGCTTCCTCCTGGGCGTGGGCTGCC-3'
Protein context (NP_060106.2, residues 852-872): LSQRLRLYLA[Asp862Asn]SWNQCDLVAL

ClinVar aggregate classification (germline): Uncertain significance (1 of 4 stars; one submission).

Conditions:
Cardiovascular phenotype. Identifiers: MedGen CN230736.

Allele frequency attached by ClinVar (database versions not stated): gnomAD 0.00001; TOPMed 0.00001.

Submission:

Ambry Genetics
Classification: Uncertain significance for Cardiovascular phenotype. Last evaluated: 2022-06-27. Review status: criteria provided, single submitter. Criteria: Ambry Variant Classification Scheme 2023. Collection method: clinical testing. Allele origin: germline.
Comment: The p.D862N variant (also known as c.2584G>A), located in coding exon 17 of the TRPM4 gene, results from a G to A substitution at nucleotide position 2584. The aspartic acid at codon 862 is replaced by asparagine, an amino acid with highly similar properties. This amino acid position is highly conserved in available vertebrate species. In addition, this alteration is predicted to be tolerated by in silico analysis. Since supporting evidence is limited at this time, the clinical significance of this alteration remains unclear.

Literature cited by the submitters: PubMed 31022885.